The following is an entry in ClinVar:

NM_203447.4(DOCK8):c.2560T>C (p.Tyr854His)

Gene: DOCK8 (dedicator of cytokinesis 8; plus strand). Cytogenetic location: 9p24.3.
Variant type: single nucleotide variant.
Coding change: c.2560T>C on transcript NM_203447.4 (MANE Select); coding-DNA position 2560, T replaced by C.
Protein change: p.Tyr854His; replaces tyrosine 854 with histidine.
Molecular consequence: missense variant.
Genome position (GRCh38, 1-based): chr9:379,890, T>C. VCF-style: chr9-379890-T-C. GRCh37 (hg19) VCF-style: chr9-379890-T-C.
Other names: c.2356T>C, p.Tyr786His (NM_001190458.2, NM_001193536.2); short protein forms Y854H, Y786H.
Identifiers: ClinVar variation 4702140 (VCV004702140.1).
Genomic context (GRCh38, chr9:379,890, plus strand): 5'-AGCAAGGACCTGAGCAAGGACCAGCATGGGAGGAACTGCCTGCTGGCTTCCTACGTGCAC[T>C]ACGTCTTCCGCCTGCCAGAGGTGCAAAGGGATGTGCCCAAGTCAGGTAGAGTTGCCCTGA-3'
Protein context (NP_982272.2, residues 844-864): RNCLLASYVH[Tyr854His]VFRLPEVQRD

ClinVar aggregate classification (germline): Uncertain significance (1 of 4 stars; one submission).

Conditions:
Combined immunodeficiency due to DOCK8 deficiency (HIES2). Also called: HYPER-IgE SYNDROME 2, AUTOSOMAL RECESSIVE, WITH RECURRENT INFECTIONS; HIES autosomal recessive; Hyper-IgE recurrent infection syndrome, autosomal recessive; HYPER-IgE RECURRENT INFECTION SYNDROME 2, AUTOSOMAL RECESSIVE; DOCK8 Deficiency. Identifiers: Orphanet 217390, MedGen C4722305, MONDO:0009478, OMIM 243700.

gnomAD v4.1: 5 of 1,614,052 alleles (0.00031%); highest among the groups gnomAD compares: Non-Finnish European, 0.00034%; no homozygotes.

Submission:

Labcorp Genetics (formerly Invitae), Labcorp
Classification: Uncertain significance for Combined immunodeficiency due to DOCK8 deficiency. Last evaluated: 2025-03-30. Review status: criteria provided, single submitter. Criteria: Invitae Variant Classification Sherloc (09022015). Collection method: clinical testing. Allele origin: germline.
Comment: This sequence change replaces tyrosine, which is neutral and polar, with histidine, which is basic and polar, at codon 854 of the DOCK8 protein (p.Tyr854His). This variant is not present in population databases (gnomAD no frequency). This variant has not been reported in the literature in individuals affected with DOCK8-related conditions. Invitae Evidence Modeling of protein sequence and biophysical properties (such as structural, functional, and spatial information, amino acid conservation, physicochemical variation, residue mobility, and thermodynamic stability) indicates that this missense variant is not expected to disrupt DOCK8 protein function with a negative predictive value of 80%. In summary, the available evidence is currently insufficient to determine the role of this variant in disease. Therefore, it has been classified as a Variant of Uncertain Significance.